The following is an entry in ClinVar:

NM_001291415.2(KDM6A):c.748+1G>A

Gene: KDM6A (lysine demethylase 6A; plus strand). Cytogenetic location: Xp11.3.
Variant type: single nucleotide variant.
Coding change: c.748+1G>A on transcript NM_001291415.2 (MANE Select); the canonical splice donor site of the intron after coding-DNA position 748, G replaced by A.
Molecular consequence: splice donor variant.
Genome position (GRCh38, 1-based): chrX:45,051,803, G>A. VCF-style: chrX-45051803-G-A. GRCh37 (hg19) VCF-style: chrX-44911048-G-A.
Other names: NC_000023.10:g.44911048G>A; c.748+1G>A (NM_021140.4, NM_001410742.1, NM_001291416.2 and 2 more transcripts); c.-6+1G>A (NM_001291421.2).
Identifiers: ClinVar variation 429692 (VCV000429692.3), dbSNP rs1131691535, ClinGen allele CA412778803.

ClinVar aggregate classification (germline): Likely pathogenic (1 of 4 stars; one submission).

Submissions (2):

GeneDx
Classification: Likely pathogenic. Last evaluated: 2017-05-13. Review status: criteria provided, single submitter. Criteria: GeneDx Variant Classification (06012015). Collection method: clinical testing. Allele origin: germline. Affected: yes.
Comment: The c.748+1G>A variant in the KDM6A gene has not been reported previously as a pathogenic variant nor as a benign variant, to our knowledge. This splice site variant destroys the canonical splice donor site in intron 9. It is predicted to cause abnormal gene splicing, either leading to an abnormal message that is subject to nonsense-mediated mRNA decay, or to an abnormal protein product if the message is used for protein translation. The c.748+1G>A variant is not observed in large population cohorts (Lek et al., 2016; 1000 Genomes Consortium et al., 2015; Exome Variant Server). We interpret c.748+1G>A as a likely pathogenic variant.

Dr. Peter K. Rogan Lab, Western University
No classification provided (evidence only). Condition: Cervical cancer. Review status: no classification provided. Collection method: in vitro. Allele origin: not applicable. Functional consequence: skipped exon, retained intron. Not counted in ClinVar's aggregate classification.